The following is an entry in ClinVar:

ClinVar aggregate classification (germline): Conflicting classifications of pathogenicity. Review status: criteria provided, conflicting classifications (1 of 4 stars). 3 submissions from 3 submitters: Uncertain significance (2); Likely benign (1). Last evaluated 2026-04-01.

Allele frequency attached by ClinVar (database versions not stated): ExAC 0.00006; 1000 Genomes Project 30x 0.00016; 1000 Genomes Project 0.00020.
gnomAD v4.1: 79 of 1,609,876 alleles (0.0049%); highest among the groups gnomAD compares: Middle Eastern, 0.083%; no homozygotes.

Submissions (3):

CeGaT Center for Human Genetics Tuebingen
Classification: Likely benign. Last evaluated: 2026-04-01. Review status: criteria provided, single submitter. Criteria: CeGaT Center For Human Genetics Tuebingen Variant Classification Criteria Version 2. Collection method: clinical testing. Allele origin: germline. Affected: yes. Observed: 1 variant allele.
Comment: JAK2: BS1

Labcorp Genetics (formerly Invitae), Labcorp
Classification: Uncertain significance. Last evaluated: 2025-11-01. Review status: criteria provided, single submitter. Criteria: Invitae Variant Classification Sherloc (09022015). Collection method: clinical testing. Allele origin: germline.
Comment: This sequence change replaces glycine, which is neutral and non-polar, with serine, which is neutral and polar, at codon 417 of the JAK2 protein (p.Gly417Ser). This variant is present in population databases (rs190968273, gnomAD 0.009%). This variant has not been reported in the literature in individuals affected with JAK2-related conditions. ClinVar contains an entry for this variant (Variation ID: 2052954). Invitae Evidence Modeling of protein sequence and biophysical properties (such as structural, functional, and spatial information, amino acid conservation, physicochemical variation, residue mobility, and thermodynamic stability) indicates that this missense variant is not expected to disrupt JAK2 protein function with a negative predictive value of 95%. In summary, the available evidence is currently insufficient to determine the role of this variant in disease. Therefore, it has been classified as a Variant of Uncertain Significance.

Genetic Services Laboratory, University of Chicago
Classification: Uncertain significance. Last evaluated: 2023-03-10. Review status: criteria provided, single submitter. Criteria: ACMG Guidelines, 2015. Collection method: clinical testing. Allele origin: germline. Affected: no.
Comment: DNA sequence analysis of the JAK2 gene demonstrated a sequence change, c.1249G>A, in exon 10 that results in an amino acid change, p.Gly417Ser. This sequence change does not appear to have been previously described in individuals with JAK2-related disorders. This sequence change has been described in the gnomAD database with a frequency of 0.009% in the European subpopulation (dbSNP rs190968273). The p.Gly417Ser change affects a highly conserved amino acid residue located in a domain of the JAK2 protein that is known to be functional. In-silico pathogenicity prediction tools (SIFT, PolyPhen2, Align GVGD, REVEL) provide contradictory results for the p.Gly417Ser substitution. Due to insufficient evidence and the lack of functional studies, the clinical significance of the p.Gly417Ser change remains unknown at this time.

NM_004972.4(JAK2):c.1249G>A (p.Gly417Ser)

Genes: INSL6 (insulin like 6; minus strand), JAK2 (Janus kinase 2; plus strand). Cytogenetic location: 9p24.1.
Variant type: single nucleotide variant.
Coding change: c.1249G>A on transcript NM_004972.4 (MANE Select); coding-DNA position 1249, G replaced by A.
Protein change: p.Gly417Ser; replaces glycine 417 with serine.
Molecular consequence: missense variant. On other transcripts: non-coding transcript variant (2).
Genome position (GRCh38, 1-based): chr9:5,066,712, G>A. VCF-style: chr9-5066712-G-A. GRCh37 (hg19) VCF-style: chr9-5066712-G-A.
Other names: c.1249G>A, p.Gly417Ser (NM_001322194.2, NM_001322195.2, NM_001322196.2); c.34G>A, p.Gly12Ser (NM_001322198.2, NM_001322199.2); c.802G>A, p.Gly268Ser (NM_001322204.2); short protein forms G12S, G417S, G268S.
Identifiers: ClinVar variation 2052954 (VCV002052954.8), dbSNP rs190968273, ClinGen allele CA4971794.